The following is an entry in ClinVar:

ClinVar aggregate classification (germline): Uncertain significance (1 of 4 stars; one submission).

Conditions:
Amyotrophic lateral sclerosis type 4 (ALS4). Also called: AMYOTROPHIC LATERAL SCLEROSIS 4, JUVENILE; NEURONOPATHY, DISTAL HEREDITARY MOTOR, WITH PYRAMIDAL FEATURES. Identifiers: Orphanet 357043, MedGen C1865409, MONDO:0011223, OMIM 602433.
Spinocerebellar ataxia, autosomal recessive, with axonal neuropathy 2 (SCAN2). Also called: Ataxia with Oculomotor Apraxia Type 2; ATAXIA-OCULOMOTOR APRAXIA 2; Ataxia-ocular apraxia-2; Ataxia with Oculomotor Apraxia. Identifiers: Orphanet 64753, MedGen C1853761, MONDO:0018996, OMIM 606002.

Submission:

Labcorp Genetics (formerly Invitae), Labcorp
Classification: Uncertain significance for Amyotrophic lateral sclerosis type 4; Spinocerebellar ataxia, autosomal recessive, with axonal neuropathy 2. Last evaluated: 2023-04-13. Review status: criteria provided, single submitter. Criteria: Invitae Variant Classification Sherloc (09022015). Collection method: clinical testing. Allele origin: germline.
Comment: Advanced modeling of protein sequence and biophysical properties (such as structural, functional, and spatial information, amino acid conservation, physicochemical variation, residue mobility, and thermodynamic stability) performed at Invitae indicates that this missense variant is not expected to disrupt SETX protein function. This sequence change replaces methionine, which is neutral and non-polar, with lysine, which is basic and polar, at codon 627 of the SETX protein (p.Met627Lys). This variant is not present in population databases (gnomAD no frequency). This variant has not been reported in the literature in individuals affected with SETX-related conditions. In summary, the available evidence is currently insufficient to determine the role of this variant in disease. Therefore, it has been classified as a Variant of Uncertain Significance.

NM_015046.7(SETX):c.1880T>A (p.Met627Lys)

Gene: SETX (senataxin; minus strand). Cytogenetic location: 9q34.13.
Variant type: single nucleotide variant.
Coding change: c.1880T>A on transcript NM_015046.7 (MANE Select); coding-DNA position 1880, T replaced by A.
Protein change: p.Met627Lys; replaces methionine 627 with lysine.
Molecular consequence: missense variant.
Genome position (GRCh38, 1-based): chr9:132,329,718, A>T on the plus strand (T>A on the coding strand, the complement: SETX is on the minus strand). VCF-style: chr9-132329718-A-T. GRCh37 (hg19) VCF-style: chr9-135205105-A-T.
Other names: c.1880T>A, p.Met627Lys (NM_001351527.2, NM_001351528.2); short protein forms M627K.
Identifiers: ClinVar variation 2946686 (VCV002946686.3), dbSNP rs199707503, ClinGen allele CA375338044.
Genomic context (GRCh38, chr9:132,329,718, plus strand): 5'-TTAGAAAATGTTGGGCTGGAAGCTTCCAAACAATGCATATCTTTTCTAGACGTCTTCCCC[A>T]TTTGTTCACTTTCTTCTTTATTATAAGATGCAGGAGAGATTTTACATGCAGAAGTCAGAT-3'
Protein context (NP_055861.3, residues 617-637): ASYNKEESEQ[Met627Lys]GKTSRKDMHC